The following is an entry in ClinVar:

NM_000203.5(IDUA):c.1551dup (p.Pro519fs)

Gene: IDUA (alpha-L-iduronidase; plus strand). Cytogenetic location: 4p16.3.
Variant type: Duplication.
Coding change: c.1551dup on transcript NM_000203.5 (MANE Select); coding-DNA position 1551, one base duplicated (C; older notation c.1551dupC).
Protein change: p.Pro519fs; shifts the reading frame from proline 519.
Molecular consequence: frameshift variant. On other transcripts: non-coding transcript variant (1).
Genome position (GRCh38, 1-based): chr4:1,003,371, C duplicated; the last of 4 consecutive C bases (chr4:1,003,368-1,003,371); duplicating any one gives the same sequence. VCF-style (leftmost placement, unchanged base first): chr4-1003367-G-GC. GRCh37 (hg19) VCF-style: chr4-997155-G-GC.
Other names: c.1155dup, p.Pro387fs (NM_001363576.1); short protein forms P387fs, P519fs.
Identifiers: ClinVar variation 5012116 (VCV005012116.1).
Genomic context (GRCh38, chr4:1,003,367, plus strand): 5'-TCCCCTGGAGAACCCTGAGGACCGGCCACTGCGCCCAGGACCCGGTGGCCGCGGCGCCCC[G>GC]CCCCTTACCCGCCGGCGGCCGCCTGACCCTGCGCCCCGCGCTGCGGCTGCCGTCGCTTTT-3'

ClinVar aggregate classification (germline): Pathogenic (1 of 4 stars; one submission).

Conditions:
Mucopolysaccharidosis type 1. Also called: IDUA deficiency; MPS I; Mucopolysaccharidosis Type I. Identifiers: Orphanet 579, MedGen C0023786, MONDO:0001586.

Submission:

Myriad Genetics, Inc.
Classification: Pathogenic for Mucopolysaccharidosis type 1. Last evaluated: 2023-09-27. Review status: criteria provided, single submitter. Criteria: Myriad Autosomal Dominant, Autosomal Recessive and X-Linked Classification Criteria (2023). Collection method: clinical testing. Allele origin: unknown.
Comment: NM_000203.3(IDUA):c.1551dupC(P519Tfs*53) is expected to be pathogenic in the context of mucopolysaccharidosis type I. This variant is predicted to lead to an abnormal or absent protein product due to the creation of a premature termination codon in IDUA, a gene where loss-of-function variants are known to be pathogenic. Please note: this variant was assessed in the context of healthy population screening.